The following is an entry in ClinVar:

ClinVar aggregate classification (germline): Pathogenic. Review status: criteria provided, single submitter (1 of 4 stars). 2 submissions from 2 submitters: Pathogenic (1). 1 of the submissions does not count toward it. Last evaluated 2024-09-24.

Conditions:
CDKL5 disorder. Identifiers: MedGen CN296942, MONDO:0100039.
Developmental and epileptic encephalopathy, 2 (DEE2). Also called: INFANTILE SPASM SYNDROME, X-LINKED 2; CDKL5 deficiency disorder. Identifiers: Orphanet 1934, Orphanet 3451, Orphanet 505652, MedGen C4750718, MONDO:0010396, OMIM 300672.

Submissions (2):

Centre for Population Genomics, CPG
Classification: Pathogenic for CDKL5 disorder. Last evaluated: 2024-09-24. Review status: criteria provided, single submitter. Criteria: McKnight et al. (Hum Mutat. 2022). Collection method: curation. Allele origin: germline. Inheritance: X-linked inheritance.
Comment: This variant has been collected from RettBASE and curated to current modified ACMG/AMP criteria. Based on the classification scheme defined by the ClinGen Rett/Angelman-like Expert Panel for Rett/AS-like Disorders Specifications to the ACMG/AMP Variant Interpretation Guidelines VCEP 3.0, this variant is classified as pathogenic. At least the following criteria are met: RNA studies showed aberrant transcript skipping exon 7, that includes critical region for protein function. PubMed: 19793311 Predicted to result in loss of function, and LOF is a known mechanism of disease (PVS1). This variant has been identified as a de novo occurrence in an individual with CDKL5 disorder without confirmation of paternity and maternity (PM6). PubMed: 19793311 This variant is absent from gnomAD (PM2_Supporting).

RettBASE
Classification: Pathogenic for Epileptic encephalopathy, early infantile, 2. Last evaluated: 2014-03-13. Review status: no assertion criteria provided. Collection method: curation. Allele origin: de novo. Affected: yes. Observed: 1 variant allele. Not counted in ClinVar's aggregate classification.
Comment: CDNA analysis showed mutation causes skipping of exon 7

Literature cited by the submitters: PubMed 19793311 (cited by RettBASE).

NM_001323289.2(CDKL5):c.458A>G (p.Asp153Gly)

Gene: CDKL5 (cyclin dependent kinase like 5; plus strand). Cytogenetic location: Xp22.13.
Variant type: single nucleotide variant.
Coding change: c.458A>G on transcript NM_001323289.2 (MANE Select); coding-DNA position 458, A replaced by G.
Protein change: p.Asp153Gly; replaces aspartic acid 153 with glycine.
Molecular consequence: missense variant.
Genome position (GRCh38, 1-based): chrX:18,581,945, A>G. VCF-style: chrX-18581945-A-G. GRCh37 (hg19) VCF-style: chrX-18600065-A-G.
Other names: NM_001323289.2(CDKL5):c.458A>G; p.Asp153Gly; c.458A>G, p.Asp153Gly (NM_001037343.2, NM_003159.3); short protein forms D153G.
Identifiers: ClinVar variation 189590 (VCV000189590.3), dbSNP rs786204985, ClinGen allele CA199402.